The following is an entry in ClinVar:

ClinVar aggregate classification (germline): Uncertain significance (1 of 4 stars; one submission).

Allele frequency attached by ClinVar (database versions not stated): gnomAD exomes below 0.00001.
gnomAD v4.1: 6 of 1,613,966 alleles (0.00037%); highest among the groups gnomAD compares: Non-Finnish European, 0.00051%; no homozygotes.

Submission:

Labcorp Genetics (formerly Invitae), Labcorp
Classification: Uncertain significance. Last evaluated: 2022-05-04. Review status: criteria provided, single submitter. Criteria: Invitae Variant Classification Sherloc (09022015). Collection method: clinical testing. Allele origin: germline.
Comment: In summary, the available evidence is currently insufficient to determine the role of this variant in disease. Therefore, it has been classified as a Variant of Uncertain Significance. Algorithms developed to predict the effect of missense changes on protein structure and function (SIFT, PolyPhen-2, Align-GVGD) all suggest that this variant is likely to be tolerated. This variant has not been reported in the literature in individuals affected with ANKZF1-related conditions. This variant is not present in population databases (gnomAD no frequency). This sequence change replaces isoleucine, which is neutral and non-polar, with asparagine, which is neutral and polar, at codon 14 of the ANKZF1 protein (p.Ile14Asn).

NM_018089.3(ANKZF1):c.41T>A (p.Ile14Asn)

Gene: ANKZF1 (ankyrin repeat and zinc finger peptidyl tRNA hydrolase 1; plus strand). Cytogenetic location: 2q35.
Variant type: single nucleotide variant.
Coding change: c.41T>A on transcript NM_018089.3 (MANE Select); coding-DNA position 41, T replaced by A.
Protein change: p.Ile14Asn; replaces isoleucine 14 with asparagine.
Molecular consequence: missense variant. On other transcripts: intron variant (1).
Genome position (GRCh38, 1-based): chr2:219,230,298, T>A. VCF-style: chr2-219230298-T-A. GRCh37 (hg19) VCF-style: chr2-220095020-T-A.
Other names: c.41T>A, p.Ile14Asn (NM_001042410.2); c.-267+398T>A (NM_001282792.2); short protein forms I14N.
Identifiers: ClinVar variation 2133109 (VCV002133109.4), dbSNP rs2544903542, ClinGen allele CA350669956.